The following is an entry in ClinVar:

NM_000161.3(GCH1):c.261G>T (p.Gln87His)

Gene: GCH1 (GTP cyclohydrolase 1; minus strand). Cytogenetic location: 14q22.2.
Variant type: single nucleotide variant.
Coding change: c.261G>T on transcript NM_000161.3 (MANE Select); coding-DNA position 261, G replaced by T.
Protein change: p.Gln87His; replaces glutamine 87 with histidine.
Molecular consequence: missense variant.
Genome position (GRCh38, 1-based): chr14:54,902,403, C>A on the plus strand (G>T on the coding strand, the complement: GCH1 is on the minus strand). VCF-style: chr14-54902403-C-A. GRCh37 (hg19) VCF-style: chr14-55369121-C-A.
Other names: c.261G>T, p.Gln87His (NM_001024024.2, NM_001024070.2, NM_001024071.2); short protein forms Q87H.
Identifiers: ClinVar variation 2008327 (VCV002008327.4), dbSNP rs2504539417, ClinGen allele CA389793748.

ClinVar aggregate classification (germline): Uncertain significance (1 of 4 stars; one submission).

Conditions:
GTP cyclohydrolase I deficiency. Identifiers: MedGen C0268467, MONDO:0100184.
Dystonia 5 (DRD). Also called: Dystonia, DOPA-responsive, with or without hyperphenylalaninemia; DYT-GCH1; DYSTONIA, PROGRESSIVE, WITH DIURNAL VARIATION; DYSTONIA-PARKINSONISM WITH DIURNAL FLUCTUATION; GTP Cyclohydrolase 1-Deficient Dopa-Responsive Dystonia. Identifiers: Orphanet 98808, MedGen C1851920, MONDO:0007495, OMIM 128230.

Submission:

Labcorp Genetics (formerly Invitae), Labcorp
Classification: Uncertain significance for GTP cyclohydrolase I deficiency; Dystonia 5. Last evaluated: 2022-06-19. Review status: criteria provided, single submitter. Criteria: Invitae Variant Classification Sherloc (09022015). Collection method: clinical testing. Allele origin: germline.
Comment: This sequence change replaces glutamine, which is neutral and polar, with histidine, which is basic and polar, at codon 87 of the GCH1 protein (p.Gln87His). This variant is not present in population databases (gnomAD no frequency). This variant has not been reported in the literature in individuals affected with GCH1-related conditions. Algorithms developed to predict the effect of missense changes on protein structure and function (SIFT, PolyPhen-2, Align-GVGD) all suggest that this variant is likely to be tolerated. In summary, the available evidence is currently insufficient to determine the role of this variant in disease. Therefore, it has been classified as a Variant of Uncertain Significance.